The following is an entry in ClinVar:

NM_000179.3(MSH6):c.1786T>C (p.Phe596Leu)

Gene: MSH6 (mutS homolog 6; plus strand). Cytogenetic location: 2p16.3.
Variant type: single nucleotide variant.
Coding change: c.1786T>C on transcript NM_000179.3 (MANE Select); coding-DNA position 1786, T replaced by C.
Protein change: p.Phe596Leu; replaces phenylalanine 596 with leucine.
Molecular consequence: missense variant.
Genome position (GRCh38, 1-based): chr2:47,799,769, T>C. VCF-style: chr2-47799769-T-C. GRCh37 (hg19) VCF-style: chr2-48026908-T-C.
Other names: c.880T>C, p.Phe294Leu (NM_001406812.1, NM_001406814.1, NM_001406815.1 and 6 more transcripts); c.1792T>C, p.Phe598Leu (NM_001406813.1); c.1489T>C, p.Phe497Leu (NM_001406818.1, NM_001406819.1, NM_001406820.1 and 10 more transcripts); c.1618T>C, p.Phe540Leu (NM_001406826.1); c.1396T>C, p.Phe466Leu (NM_001281492.2); c.1882T>C, p.Phe628Leu (NM_001406795.1, NM_001406802.1); c.1786T>C, p.Phe596Leu (NM_001406796.1, NM_001406798.1, NM_001406800.1 and 3 more transcripts); c.1261T>C, p.Phe421Leu (NM_001406799.1, NM_001406806.1, NM_001406807.1); and 1 more; short protein forms F294L, F466L, F596L, F421L, F628L, F497L, F540L, F570L.
Identifiers: ClinVar variation 1780101 (VCV001780101.9), dbSNP rs587779918, ClinGen allele CA346749264.

ClinVar aggregate classification (germline): Uncertain significance. Review status: criteria provided, multiple submitters, no conflicts (2 of 4 stars). 3 submissions from 3 submitters: Uncertain significance (3). Last evaluated 2025-11-25.

Conditions:
Hereditary nonpolyposis colorectal neoplasms. Identifiers: MedGen C0009405, MeSH D003123.
Hereditary cancer-predisposing syndrome. Also called: Neoplastic Syndromes, Hereditary; Tumor predisposition; Hereditary Cancer Syndrome; Hereditary neoplastic syndrome. Identifiers: Orphanet 140162, MedGen C0027672, MeSH D009386, MONDO:0015356.

gnomAD v4.1: 1 of 1,614,206 alleles (0.000062%); highest among the groups gnomAD compares: Non-Finnish European, 0.000085%; no homozygotes.

Submissions (3):

Ambry Genetics
Classification: Uncertain significance for Hereditary cancer-predisposing syndrome. Last evaluated: 2025-11-25. Review status: criteria provided, single submitter. Criteria: Ambry Variant Classification Scheme 2023. Collection method: clinical testing. Allele origin: germline.
Comment: The p.F596L variant (also known as c.1786T>C), located in coding exon 4 of the MSH6 gene, results from a T to C substitution at nucleotide position 1786. The phenylalanine at codon 596 is replaced by leucine, an amino acid with highly similar properties. This amino acid position is highly conserved in available vertebrate species. In addition, the in silico prediction for this alteration is inconclusive. Based on the available evidence, the clinical significance of this variant remains unclear.

Labcorp Genetics (formerly Invitae), Labcorp
Classification: Uncertain significance for Hereditary nonpolyposis colorectal neoplasms. Last evaluated: 2025-03-09. Review status: criteria provided, single submitter. Criteria: Invitae Variant Classification Sherloc (09022015). Collection method: clinical testing. Allele origin: germline.
Comment: This sequence change replaces phenylalanine, which is neutral and non-polar, with leucine, which is neutral and non-polar, at codon 596 of the MSH6 protein (p.Phe596Leu). This variant is not present in population databases (gnomAD no frequency). This variant has not been reported in the literature in individuals affected with MSH6-related conditions. ClinVar contains an entry for this variant (Variation ID: 1780101). Invitae Evidence Modeling of protein sequence and biophysical properties (such as structural, functional, and spatial information, amino acid conservation, physicochemical variation, residue mobility, and thermodynamic stability) indicates that this missense variant is not expected to disrupt MSH6 protein function with a negative predictive value of 95%. In summary, the available evidence is currently insufficient to determine the role of this variant in disease. Therefore, it has been classified as a Variant of Uncertain Significance.

Women's Health and Genetics/Laboratory Corporation of America, LabCorp
Classification: Uncertain significance. Last evaluated: 2024-12-16. Review status: criteria provided, single submitter. Criteria: LabCorp Variant Classification Summary - May 2015. Collection method: clinical testing. Allele origin: germline.